The following is an entry in ClinVar:

NM_030665.4(RAI1):c.2431A>C (p.Lys811Gln)

Gene: RAI1 (retinoic acid induced 1; plus strand). Cytogenetic location: 17p11.2.
Variant type: single nucleotide variant.
Coding change: c.2431A>C on transcript NM_030665.4 (MANE Select); coding-DNA position 2431, A replaced by C.
Protein change: p.Lys811Gln; replaces lysine 811 with glutamine.
Molecular consequence: missense variant.
Genome position (GRCh38, 1-based): chr17:17,795,379, A>C. VCF-style: chr17-17795379-A-C. GRCh37 (hg19) VCF-style: chr17-17698693-A-C.
Other names: short protein forms K811Q.
Identifiers: ClinVar variation 2789910 (VCV002789910.3), dbSNP rs2032194974, ClinGen allele CA398550933.

ClinVar aggregate classification (germline): Uncertain significance (1 of 4 stars; one submission).

Allele frequency attached by ClinVar (database versions not stated): TOPMed below 0.00001.

Submission:

Labcorp Genetics (formerly Invitae), Labcorp
Classification: Uncertain significance. Last evaluated: 2023-09-06. Review status: criteria provided, single submitter. Criteria: Invitae Variant Classification Sherloc (09022015). Collection method: clinical testing. Allele origin: germline.
Comment: This sequence change replaces lysine, which is basic and polar, with glutamine, which is neutral and polar, at codon 811 of the RAI1 protein (p.Lys811Gln). This variant is not present in population databases (gnomAD no frequency). In summary, the available evidence is currently insufficient to determine the role of this variant in disease. Therefore, it has been classified as a Variant of Uncertain Significance. Advanced modeling of protein sequence and biophysical properties (such as structural, functional, and spatial information, amino acid conservation, physicochemical variation, residue mobility, and thermodynamic stability) performed at Invitae indicates that this missense variant is not expected to disrupt RAI1 protein function. This variant has not been reported in the literature in individuals affected with RAI1-related conditions.